The following is an entry in ClinVar:

ClinVar aggregate classification (germline): Uncertain significance. Review status: criteria provided, multiple submitters, no conflicts (2 of 4 stars). 3 submissions from 3 submitters: Uncertain significance (3). Last evaluated 2025-12-10.

Conditions:
Meckel-Gruber syndrome. Also called: Dysencephalia splachnocystica; DYSENCEPHALIA SPLANCHNOCYSTICA; GRUBER SYNDROME. Identifiers: Orphanet 564, MedGen C0265215, MONDO:0018921.
Joubert syndrome. Also called: Familial aplasia of the vermis; JOUBERT-BOLTSHAUSER SYNDROME. Identifiers: Orphanet 475, MedGen C5979921, MONDO:0018772.
Inborn genetic diseases. Identifiers: MedGen C0950123, MeSH D030342.

Allele frequency attached by ClinVar (database versions not stated): ExAC 0.00001; gnomAD 0.00001; gnomAD exomes 0.00001; TOPMed 0.00002.
gnomAD v4.1: 57 of 1,604,906 alleles (0.0036%); highest among the groups gnomAD compares: Non-Finnish European, 0.0046%; no homozygotes.

Submissions (3):

Labcorp Genetics (formerly Invitae), Labcorp
Classification: Uncertain significance for Joubert syndrome; Meckel-Gruber syndrome. Last evaluated: 2025-12-10. Review status: criteria provided, single submitter. Criteria: Invitae Variant Classification Sherloc (09022015). Collection method: clinical testing. Allele origin: germline.
Comment: This sequence change replaces valine, which is neutral and non-polar, with aspartic acid, which is acidic and polar, at codon 651 of the CC2D2A protein (p.Val651Asp). This variant is present in population databases (rs762298895, gnomAD 0.003%). This variant has not been reported in the literature in individuals affected with CC2D2A-related conditions. ClinVar contains an entry for this variant (Variation ID: 597894). Invitae Evidence Modeling of protein sequence and biophysical properties (such as structural, functional, and spatial information, amino acid conservation, physicochemical variation, residue mobility, and thermodynamic stability) indicates that this missense variant is not expected to disrupt CC2D2A protein function with a negative predictive value of 95%. In summary, the available evidence is currently insufficient to determine the role of this variant in disease. Therefore, it has been classified as a Variant of Uncertain Significance.

Ambry Genetics
Classification: Uncertain significance for Inborn genetic diseases. Last evaluated: 2025-09-10. Review status: criteria provided, single submitter. Criteria: Ambry Variant Classification Scheme 2023. Collection method: clinical testing. Allele origin: germline.

Eurofins Ntd Llc (ga)
Classification: Uncertain significance. Last evaluated: 2018-07-05. Review status: criteria provided, single submitter. Criteria: EGL ClinVar v180209 classification definitions. Collection method: clinical testing. Allele origin: germline. Observed: 1 variant allele, 1 heterozygote.

NM_001378615.1(CC2D2A):c.1952T>A (p.Val651Asp)

Genes: CC2D2A (coiled-coil and C2 domain containing 2A; plus strand), FBXL5 (F-box and leucine rich repeat protein 5; minus strand). Cytogenetic location: 4p15.32.
Variant type: single nucleotide variant.
Coding change: c.1952T>A on transcript NM_001378615.1 (MANE Select); coding-DNA position 1952, T replaced by A.
Protein change: p.Val651Asp; replaces valine 651 with aspartic acid.
Molecular consequence: missense variant.
Genome position (GRCh38, 1-based): chr4:15,538,086, T>A. VCF-style: chr4-15538086-T-A. GRCh37 (hg19) VCF-style: chr4-15539709-T-A.
Other names: c.1952T>A, p.Val651Asp (NM_001080522.2); c.1805T>A, p.Val602Asp (NM_001378617.1); short protein forms V651D, V602D.
Identifiers: ClinVar variation 597894 (VCV000597894.13), dbSNP rs762298895, ClinGen allele CA2863801.